The following is an entry in ClinVar:

ClinVar aggregate classification (germline): Uncertain significance (1 of 4 stars; one submission).

gnomAD v4.1: 1 of 1,212,003 alleles (0.000083%); highest among the groups gnomAD compares: Non-Finnish European, 0.00011%; no homozygotes.

Submission:

Mayo Clinic Laboratories, Mayo Clinic
Classification: Uncertain significance. Last evaluated: 2025-10-08. Review status: criteria provided, single submitter. Criteria: ACMG Guidelines, 2015. Collection method: clinical testing. Allele origin: germline. Observed: 1 variant allele.
Comment: PP2, PP3_moderate, PM2_supporting

NM_001110556.2(FLNA):c.5135A>T (p.Tyr1712Phe)

Gene: FLNA (filamin A; minus strand). Cytogenetic location: Xq28.
Variant type: single nucleotide variant.
Coding change: c.5135A>T on transcript NM_001110556.2 (MANE Select); coding-DNA position 5135, A replaced by T.
Protein change: p.Tyr1712Phe; replaces tyrosine 1712 with phenylalanine.
Molecular consequence: missense variant.
Genome position (GRCh38, 1-based): chrX:154,354,907, T>A on the plus strand (A>T on the coding strand, the complement: FLNA is on the minus strand). VCF-style: chrX-154354907-T-A. GRCh37 (hg19) VCF-style: chrX-153583275-T-A.
Other names: p.Tyr1704Phe; c.5111A>T, p.Tyr1704Phe (NM_001456.4); short protein forms Y1704F, Y1712F.
Identifiers: ClinVar variation 4542510 (VCV004542510.1).
Genomic context (GRCh38, chrX:154,354,907, plus strand): 5'-GGCACGTGCTCGCCACCAAAGCGCACACAGATGACGTATTTGCCCGGCTGGGGGGCCGTG[T>A]AGAAGATGTCGAAAGTGCCGTCCTCATTCTCCACCACGTCCACATCCACCTCTGAGCCAT-3'
Protein context (NP_001104026.1, residues 1702-1722): ENEDGTFDIF[Tyr1712Phe]TAPQPGKYVI